The following is an entry in ClinVar:

ClinVar aggregate classification (germline): Benign. Review status: criteria provided, multiple submitters, no conflicts (2 of 4 stars). 2 submissions from 2 submitters: Benign (2). Last evaluated 2018-06-14.

Allele frequency attached by ClinVar (database versions not stated): TOPMed 0.80086; 1000 Genomes Project 30x 0.84728; 1000 Genomes Project 0.85343.
gnomAD v4.1: 1,166,493 of 1,384,650 alleles (84%); highest among the groups gnomAD compares: East Asian, 97%; 493,397 homozygotes.

Submissions (2):

GeneDx
Classification: Benign. Last evaluated: 2018-06-14. Review status: criteria provided, single submitter. Criteria: GeneDx Variant Classification (06012015). Collection method: clinical testing. Allele origin: germline. Affected: yes.
Comment: This variant is considered likely benign or benign based on one or more of the following criteria: it is a conservative change, it occurs at a poorly conserved position in the protein, it is predicted to be benign by multiple in silico algorithms, and/or has population frequency not consistent with disease.

Breakthrough Genomics
Classification: Benign. Review status: criteria provided, single submitter. Criteria: ACMG Guidelines, 2015. Collection method: not provided. Allele origin: germline. Inheritance: Autosomal dominant inheritance. Affected: yes.

NM_144670.6(A2ML1):c.729-120A>G

Gene: A2ML1 (alpha-2-macroglobulin like 1; plus strand). Cytogenetic location: 12p13.31.
Variant type: single nucleotide variant.
Coding change: c.729-120A>G on transcript NM_144670.6 (MANE Select); 120 bases into the intron before coding-DNA position 729, A replaced by G.
Molecular consequence: intron variant.
Genome position (GRCh38, 1-based): chr12:8,837,320, A>G. VCF-style: chr12-8837320-A-G. GRCh37 (hg19) VCF-style: chr12-8989916-A-G.
Identifiers: ClinVar variation 561552 (VCV000561552.2), dbSNP rs11047510, ClinGen allele CA13613176.